The following is an entry in ClinVar:

ClinVar aggregate classification (germline): Uncertain significance (1 of 4 stars; one submission).

gnomAD v4.1: 1 of 1,613,592 alleles (0.000062%); no homozygotes.

Submission:

Labcorp Genetics (formerly Invitae), Labcorp
Classification: Uncertain significance. Last evaluated: 2025-11-09. Review status: criteria provided, single submitter. Criteria: Invitae Variant Classification Sherloc (09022015). Collection method: clinical testing. Allele origin: germline.
Comment: This sequence change replaces valine, which is neutral and non-polar, with isoleucine, which is neutral and non-polar, at codon 380 of the MICAL1 protein (p.Val380Ile). This variant is not present in population databases (gnomAD no frequency). This variant has not been reported in the literature in individuals affected with MICAL1-related conditions. ClinVar contains an entry for this variant (Variation ID: 1919750). An algorithm developed to predict the effect of missense changes on protein structure and function outputs the following: PolyPhen-2: "Benign". The isoleucine amino acid residue is found in multiple mammalian species, which suggests that this missense change does not adversely affect protein function. In summary, the available evidence is currently insufficient to determine the role of this variant in disease. Therefore, it has been classified as a Variant of Uncertain Significance.

NM_022765.4(MICAL1):c.1081G>A (p.Val361Ile)

Gene: MICAL1 (microtubule associated monooxygenase, calponin and LIM domain containing 1; minus strand). Cytogenetic location: 6q21.
Variant type: single nucleotide variant.
Coding change: c.1081G>A on transcript NM_022765.4 (MANE Select); coding-DNA position 1081, G replaced by A.
Protein change: p.Val361Ile; replaces valine 361 with isoleucine.
Molecular consequence: missense variant. On other transcripts: intron variant (1).
Genome position (GRCh38, 1-based): chr6:109,450,410, C>T on the plus strand (G>A on the coding strand, the complement: MICAL1 is on the minus strand). VCF-style: chr6-109450410-C-T. GRCh37 (hg19) VCF-style: chr6-109771613-C-T.
Other names: c.1138G>A, p.Val380Ile (NM_001286613.2); c.934-325G>A (NM_001159291.2); short protein forms V361I, V380I.
Identifiers: ClinVar variation 1919750 (VCV001919750.5), dbSNP rs2482800704, ClinGen allele CA365231224.